The following is an entry in ClinVar:

NM_022552.5(DNMT3A):c.2666T>G (p.Leu889Arg)

Gene: DNMT3A (DNA methyltransferase 3 alpha; minus strand). Cytogenetic location: 2p23.3.
Variant type: single nucleotide variant.
Coding change: c.2666T>G on transcript NM_022552.5 (MANE Select); coding-DNA position 2666, T replaced by G.
Protein change: p.Leu889Arg; replaces leucine 889 with arginine.
Molecular consequence: missense variant. On other transcripts: non-coding transcript variant (1).
Genome position (GRCh38, 1-based): chr2:25,234,352, A>C on the plus strand (T>G on the coding strand, the complement: DNMT3A is on the minus strand). VCF-style: chr2-25234352-A-C. GRCh37 (hg19) VCF-style: chr2-25457221-A-C.
Other names: c.2210T>G, p.Leu737Arg (NM_001320893.1); c.1997T>G, p.Leu666Arg (NM_001375819.1); c.2099T>G, p.Leu700Arg (NM_153759.3); c.2666T>G, p.Leu889Arg (NM_175629.2); short protein forms L666R, L700R, L737R, L889R.
Identifiers: ClinVar variation 2503108 (VCV002503108.1), dbSNP rs1673090694, ClinGen allele CA346068134.

ClinVar aggregate classification (germline): Uncertain significance (1 of 4 stars; one submission).

Conditions:
Acute myeloid leukemia (AML). Also called: Acute myeloid leukemia, adult; AML adult; Acute non-lymphocytic leukemia; Acute granulocytic leukemia; Leukemia, acute myeloid, somatic; Leukemia, acute myelogenous, somatic. Identifiers: Orphanet 519, MedGen C0023467, MeSH D015470, MONDO:0018874, OMIM 601626, HP:0004808. Disease mechanism: Constitutively activated FLT3.

Submission:

Johns Hopkins Genomics, Johns Hopkins University
Classification: Uncertain significance for Acute myeloid leukemia. Last evaluated: 2023-03-13. Review status: criteria provided, single submitter. Criteria: ACMG Guidelines, 2015. Collection method: clinical testing. Allele origin: somatic.
Comment: This DNMT3A variant is absent from a large population dataset and has not been reported in ClinVar or the literature, to our knowledge. Two bioinformatic tools queried predict that this substitution would be damaging, and the leucine residue at this position is strongly conserved across the vertebrate species assessed. Bioinformatic analysis predicts that this missense variant would not affect normal exon 23 splicing, although this has not been confirmed experimentally to our knowledge. This amino acid substitution occurs in the methyltransferase (MTase) catalytic domain of the DNMT3A protein. Due to insufficient evidence, we consider the clinical significance of c.2666T>G (p.Leu889Arg) to be uncertain at this time.

Literature cited by the submitters: PubMed 25693834; PubMed 34480172; PubMed 34632574; PubMed 36641501.